The following is an entry in ClinVar:

ClinVar aggregate classification (germline): Uncertain significance (1 of 4 stars; one submission).

Allele frequency attached by ClinVar (database versions not stated): gnomAD exomes below 0.00001.
gnomAD v4.1: 1 of 1,613,344 alleles (0.000062%); highest among the groups gnomAD compares: East Asian, 0.0022%; no homozygotes.

Submission:

Labcorp Genetics (formerly Invitae), Labcorp
Classification: Uncertain significance. Last evaluated: 2022-06-03. Review status: criteria provided, single submitter. Criteria: Invitae Variant Classification Sherloc (09022015). Collection method: clinical testing. Allele origin: germline.
Comment: This sequence change replaces isoleucine, which is neutral and non-polar, with valine, which is neutral and non-polar, at codon 248 of the IMPDH1 protein (p.Ile248Val). This variant is not present in population databases (gnomAD no frequency). This variant has not been reported in the literature in individuals affected with IMPDH1-related conditions. ClinVar contains an entry for this variant (Variation ID: 1352736). Algorithms developed to predict the effect of missense changes on protein structure and function (SIFT, PolyPhen-2, Align-GVGD) all suggest that this variant is likely to be tolerated. In summary, the available evidence is currently insufficient to determine the role of this variant in disease. Therefore, it has been classified as a Variant of Uncertain Significance.

NM_000883.4(IMPDH1):c.742A>G (p.Ile248Val)

Gene: IMPDH1 (inosine monophosphate dehydrogenase 1; minus strand). Cytogenetic location: 7q32.1.
Variant type: single nucleotide variant.
Coding change: c.742A>G on transcript NM_000883.4 (MANE Select); coding-DNA position 742, A replaced by G.
Protein change: p.Ile248Val; replaces isoleucine 248 with valine.
Molecular consequence: missense variant.
Genome position (GRCh38, 1-based): chr7:128,400,377, T>C on the plus strand (A>G on the coding strand, the complement: IMPDH1 is on the minus strand). VCF-style: chr7-128400377-T-C. GRCh37 (hg19) VCF-style: chr7-128040431-T-C.
Other names: c.712A>G, p.Ile238Val (NM_001102605.2); c.487A>G, p.Ile163Val (NM_001142573.2); c.472A>G, p.Ile158Val (NM_001142574.2); c.412A>G, p.Ile138Val (NM_001142575.2); c.643A>G, p.Ile215Val (NM_001142576.2); c.535A>G, p.Ile179Val (NM_001304521.2); c.634A>G, p.Ile212Val (NM_183243.3); short protein forms I179V, I163V, I212V, I248V, I158V, I138V, I215V, I238V.
Identifiers: ClinVar variation 1352736 (VCV001352736.8), dbSNP rs2116660156, ClinGen allele CA369173110.